The following is an entry in ClinVar:

NM_000051.4(ATM):c.8269-3C>T

Genes: ATM (ATM serine/threonine kinase; plus strand), C11orf65 (chromosome 11 open reading frame 65; minus strand). Cytogenetic location: 11q22.3.
Variant type: single nucleotide variant.
Coding change: c.8269-3C>T on transcript NM_000051.4 (MANE Select); 3 bases into the intron before coding-DNA position 8269, C replaced by T.
Molecular consequence: intron variant.
Genome position (GRCh38, 1-based): chr11:108,343,219, C>T. VCF-style: chr11-108343219-C-T. GRCh37 (hg19) VCF-style: chr11-108213946-C-T.
Other names: c.8269-3C>T (NM_001351834.2); c.641-34148G>A (NM_001330368.2); c.695-7927G>A (NM_001351110.2).
Identifiers: ClinVar variation 513931 (VCV000513931.4), dbSNP rs1555135336, ClinGen allele CA658797759.

ClinVar aggregate classification (germline): Conflicting classifications of pathogenicity. Review status: criteria provided, conflicting classifications (1 of 4 stars). 2 submissions from 2 submitters: Uncertain significance (1); Likely benign (1). Last evaluated 2024-03-07.

Conditions:
Hereditary cancer-predisposing syndrome. Also called: Hereditary Cancer Syndrome; Neoplastic Syndromes, Hereditary; Tumor predisposition; Hereditary neoplastic syndrome. Identifiers: Orphanet 140162, MedGen C0027672, MeSH D009386, MONDO:0015356.

Submissions (2):

Ambry Genetics
Classification: Uncertain significance for Hereditary cancer-predisposing syndrome. Last evaluated: 2024-03-07. Review status: criteria provided, single submitter. Criteria: Ambry Variant Classification Scheme 2023. Collection method: clinical testing. Allele origin: germline.
Comment: The c.8269-3C>T intronic variant results from a C to T substitution 3 nucleotides upstream from coding exon 56 in the ATM gene. This nucleotide position is not well conserved in available vertebrate species. In silico splice site analysis predicts that this alteration will not have any significant effect on splicing. Based on the available evidence, the clinical significance of this alteration remains unclear.

GeneDx
Classification: Likely benign. Last evaluated: 2017-11-29. Review status: criteria provided, single submitter. Criteria: GeneDx Variant Classification (06012015). Collection method: clinical testing. Allele origin: germline. Affected: yes.
Comment: This variant is considered likely benign or benign based on one or more of the following criteria: it is a conservative change, it occurs at a poorly conserved position in the protein, it is predicted to be benign by multiple in silico algorithms, and/or has population frequency not consistent with disease.